The following is an entry in ClinVar:

NM_000038.6(APC):c.6956G>A (p.Arg2319Lys)

Gene: APC (APC regulator of Wnt signaling pathway; plus strand). Cytogenetic location: 5q22.2.
Variant type: single nucleotide variant.
Coding change: c.6956G>A on transcript NM_000038.6 (MANE Select); coding-DNA position 6956, G replaced by A.
Protein change: p.Arg2319Lys; replaces arginine 2319 with lysine.
Molecular consequence: missense variant.
Genome position (GRCh38, 1-based): chr5:112,842,550, G>A. VCF-style: chr5-112842550-G-A. GRCh37 (hg19) VCF-style: chr5-112178247-G-A.
Other names: c.6956G>A, p.Arg2319Lys (NM_001127510.3, NM_001354895.2); c.6902G>A, p.Arg2301Lys (NM_001127511.3); c.7010G>A, p.Arg2337Lys (NM_001354896.2); c.6986G>A, p.Arg2329Lys (NM_001354897.2); c.6881G>A, p.Arg2294Lys (NM_001354898.2); c.6872G>A, p.Arg2291Lys (NM_001354899.2); c.6833G>A, p.Arg2278Lys (NM_001354900.2); c.6779G>A, p.Arg2260Lys (NM_001354901.2); and 5 more; short protein forms R2319K, R2301K, R2218K, R2294K, R2329K, R2291K, R2337K, R2159K.
Identifiers: ClinVar variation 628011 (VCV000628011.15), dbSNP rs1561611537, ClinGen allele CA16036502.

ClinVar aggregate classification (germline): Uncertain significance. Review status: criteria provided, multiple submitters, no conflicts (2 of 4 stars). 4 submissions from 4 submitters: Uncertain significance (4). Last evaluated 2025-06-03.

Conditions:
Hereditary cancer-predisposing syndrome. Also called: Neoplastic Syndromes, Hereditary; Tumor predisposition; Hereditary neoplastic syndrome; Hereditary Cancer Syndrome. Identifiers: Orphanet 140162, MedGen C0027672, MeSH D009386, MONDO:0015356.
Familial adenomatous polyposis 1 (FAP1). Also called: POLYPOSIS, ADENOMATOUS INTESTINAL; FAMILIAL ADENOMATOUS POLYPOSIS 1, ATTENUATED. Identifiers: MedGen C2713442, MONDO:0021056, OMIM 175100. Disease mechanism: loss of function.

Allele frequency attached by ClinVar (database versions not stated): gnomAD exomes below 0.00001.
gnomAD v4.1: 2 of 1,613,960 alleles (0.00012%); highest among the groups gnomAD compares: Non-Finnish European, 0.00017%; no homozygotes.

Submissions (4):

Labcorp Genetics (formerly Invitae), Labcorp
Classification: Uncertain significance for Familial adenomatous polyposis 1. Last evaluated: 2025-06-03. Review status: criteria provided, single submitter. Criteria: Invitae Variant Classification Sherloc (09022015). Collection method: clinical testing. Allele origin: germline.
Comment: This sequence change replaces arginine, which is basic and polar, with lysine, which is basic and polar, at codon 2319 of the APC protein (p.Arg2319Lys). This variant is not present in population databases (gnomAD no frequency). This variant has not been reported in the literature in individuals affected with APC-related conditions. ClinVar contains an entry for this variant (Variation ID: 628011). Invitae Evidence Modeling of protein sequence and biophysical properties (such as structural, functional, and spatial information, amino acid conservation, physicochemical variation, residue mobility, and thermodynamic stability) indicates that this missense variant is not expected to disrupt APC protein function with a negative predictive value of 95%. In summary, the available evidence is currently insufficient to determine the role of this variant in disease. Therefore, it has been classified as a Variant of Uncertain Significance.

Baylor Genetics
Classification: Uncertain significance for Familial adenomatous polyposis 1. Last evaluated: 2023-09-25. Review status: criteria provided, single submitter. Criteria: ACMG Guidelines, 2015. Collection method: clinical testing. Allele origin: unknown.

Ambry Genetics
Classification: Uncertain significance for Hereditary cancer-predisposing syndrome. Last evaluated: 2023-05-01. Review status: criteria provided, single submitter. Criteria: Ambry Variant Classification Scheme 2023. Collection method: clinical testing. Allele origin: germline.
Comment: The p.R2319K variant (also known as c.6956G>A), located in coding exon 15 of the APC gene, results from a G to A substitution at nucleotide position 6956. The arginine at codon 2319 is replaced by lysine, an amino acid with highly similar properties. This amino acid position is well conserved in available vertebrate species. In addition, in silico predictors for this gene do not accurately predict pathogenicity. Since supporting evidence is limited at this time, the clinical significance of this alteration remains unclear.

Color Diagnostics, LLC DBA Color Health
Classification: Uncertain significance for Hereditary cancer-predisposing syndrome. Last evaluated: 2019-03-19. Review status: criteria provided, single submitter. Criteria: ACMG Guidelines, 2015. Collection method: clinical testing. Allele origin: germline.